The following is an entry in ClinVar:

Conditions:
Long QT syndrome 5 (LQT5). Identifiers: Orphanet 101016, Orphanet 768, MedGen C1867904, MONDO:0013372, OMIM 613695.

Submission:

Roden Lab, Vanderbilt University Medical Center
No classification provided (evidence only). Condition: Long QT syndrome 5. Review status: no classification provided. Collection method: in vitro. Allele origin: not applicable. Functional consequence: Effect on ion channel function.
ClinVar note: "not provided" was previously submitted as the classification for the variant. However, the classification appeared to be based only on an observation of functional data so it was converted to no classification on 2025-07-30.

NM_000219.6(KCNE1):c.369T>C (p.Pro123=)

Gene: KCNE1 (potassium voltage-gated channel subfamily E regulatory subunit 1; minus strand). Cytogenetic location: 21q22.12.
Variant type: single nucleotide variant.
Coding change: c.369T>C on transcript NM_000219.6 (MANE Select); coding-DNA position 369, T replaced by C.
Protein change: p.Pro123=; no amino-acid change (proline 123 retained).
Molecular consequence: synonymous variant.
Genome position (GRCh38, 1-based): chr21:34,449,266, A>G on the plus strand (T>C on the coding strand, the complement: KCNE1 is on the minus strand). VCF-style: chr21-34449266-A-G. GRCh37 (hg19) VCF-style: chr21-35821564-A-G.
Other names: c.369T>C, p.Pro123= (NM_001127668.4, NM_001127669.4, NM_001127670.4 and 4 more transcripts).
Identifiers: ClinVar variation 3373839 (VCV003373839.2).
Genomic context (GRCh38, chr21:34,449,266, plus strand): 5'-GCCAGGCAGGATGTGTCCAGTTTTAGCCAGTGGTGGGGTTCATGGGGAAGGCTTCGTCTC[A>G]GGAAGGTGTGTGTTGGGTTGTTCTATGGCCAGATGGTTTTCAACGACATAGCACGACCTG-3'
Protein context (NP_000210.2, residues 113-129): LAIEQPNTHL[Pro123=]ETKPSP